The following is an entry in ClinVar:

ClinVar aggregate classification (germline): Pathogenic (0 of 4 stars; one submission).

Conditions:
Corpus callosum, agenesis of. Also called: Corpus callosum agenesis; Mental retardation hypoplastic corpus callosum preauricular tag; Da silva syndrome; Isolated corpus callosum agenesis; Agenesis of the corpus callosum. Identifiers: Orphanet 200, MedGen C0175754, MONDO:0009022, OMIM 217990, HP:0001274.

Submission:

Neurogenetics Research; Murdoch Childrens Research Institute
Classification: Pathogenic for Corpus callosum, agenesis of. Last evaluated: 2016-01-01. Review status: no assertion criteria provided. Collection method: research. Allele origin: germline. Affected: yes.
Comment: Mutations in DCC can cause either agenesis of the corpus callosum, mirror movements or both phenotypes

NM_005215.3:c.[3649A>G;3748G>A]

Variant type: Haplotype.
Identifiers: ClinVar variation 375288 (VCV000375288.1).